The following is an entry in ClinVar:

ClinVar aggregate classification (germline): Likely benign (1 of 4 stars; one submission).

Allele frequency attached by ClinVar (database versions not stated): TOPMed 0.00012; 1000 Genomes Project 30x 0.00062; 1000 Genomes Project 0.00080; gnomAD 0.00289 and 0.00306.
gnomAD v4.1: 435 of 152,262 alleles (0.29%); highest among the groups gnomAD compares: Non-Finnish European, 0.046%; 11 homozygotes.

Submission:

GeneDx
Classification: Likely benign. Last evaluated: 2021-11-30. Review status: criteria provided, single submitter. Criteria: GeneDx Variant Classification Process June 2021. Collection method: clinical testing. Allele origin: germline. Affected: yes.
Comment: See Variant Classification Assertion Criteria.

NM_004113.6(FGF12):c.124+235A>G

Gene: FGF12 (fibroblast growth factor 12; minus strand). Cytogenetic location: 3q28.
Variant type: single nucleotide variant.
Coding change: c.124+235A>G on transcript NM_004113.6 (MANE Select); 235 bases into the intron after coding-DNA position 124, A replaced by G.
Molecular consequence: intron variant.
Genome position (GRCh38, 1-based): chr3:192,360,193, T>C on the plus strand (A>G on the coding strand, the complement: FGF12 is on the minus strand). VCF-style: chr3-192360193-T-C. GRCh37 (hg19) VCF-style: chr3-192077982-T-C.
Other names: c.52+235A>G (NM_001377293.1, NM_001377294.1); c.14-24729A>G (NM_001377292.1); c.310+235A>G (NM_021032.5).
Identifiers: ClinVar variation 1691138 (VCV001691138.2), dbSNP rs187082981, ClinGen allele CA90408918.